The following is an entry in ClinVar:

ClinVar aggregate classification (germline): Uncertain significance. Review status: criteria provided, multiple submitters, no conflicts (2 of 4 stars). 2 submissions from 2 submitters: Uncertain significance (2). Last evaluated 2024-05-02.

gnomAD v4.1: 3 of 1,600,108 alleles (0.00019%); highest among the groups gnomAD compares: Non-Finnish European, 0.000085%; no homozygotes.

Submissions (2):

GeneDx
Classification: Uncertain significance. Last evaluated: 2024-05-02. Review status: criteria provided, single submitter. Criteria: GeneDx Variant Classification Process June 2021. Collection method: clinical testing. Allele origin: germline. Affected: yes.
Comment: Has not been previously published as pathogenic or benign to our knowledge; Not observed at significant frequency in large population cohorts (gnomAD); In silico analysis supports that this missense variant has a deleterious effect on protein structure/function

Blueprint Genetics
Classification: Uncertain significance. Last evaluated: 2022-08-10. Review status: criteria provided, single submitter. Criteria: ACMG Guidelines, 2015. Collection method: clinical testing. Allele origin: germline.

NM_001127222.2(CACNA1A):c.885C>A (p.Asn295Lys)

Gene: CACNA1A (calcium voltage-gated channel subunit alpha1 A; minus strand). Cytogenetic location: 19p13.13.
Variant type: single nucleotide variant.
Coding change: c.885C>A on transcript NM_001127222.2 (MANE Select); coding-DNA position 885, C replaced by A.
Protein change: p.Asn295Lys; replaces asparagine 295 with lysine.
Molecular consequence: missense variant.
Genome position (GRCh38, 1-based): chr19:13,359,699, G>T on the plus strand (C>A on the coding strand, the complement: CACNA1A is on the minus strand). VCF-style: chr19-13359699-G-T. GRCh37 (hg19) VCF-style: chr19-13470513-G-T.
Other names: c.885C>A, p.Asn295Lys (NM_000068.4, NM_001127221.2, NM_001174080.2 and 1 more transcripts); short protein forms N295K.
Identifiers: ClinVar variation 3376027 (VCV003376027.2).